The following is an entry in ClinVar:

ClinVar aggregate classification (germline): Pathogenic (1 of 4 stars; one submission).

Submission:

Labcorp Genetics (formerly Invitae), Labcorp
Classification: Pathogenic. Last evaluated: 2023-11-11. Review status: criteria provided, single submitter. Criteria: Invitae Variant Classification Sherloc (09022015). Collection method: clinical testing. Allele origin: germline.
Comment: This sequence change creates a premature translational stop signal (p.Tyr1450*) in the DUOX2 gene. It is expected to result in an absent or disrupted protein product. Loss-of-function variants in DUOX2 are known to be pathogenic (PMID: 12110737, 18765513, 21565790, 24423310, 24735383). This variant is not present in population databases (gnomAD no frequency). This variant has not been reported in the literature in individuals affected with DUOX2-related conditions. For these reasons, this variant has been classified as Pathogenic.

Literature cited by the submitters: PubMed 12110737; PubMed 18765513; PubMed 21565790; PubMed 24423310; PubMed 24735383.

NM_001363711.2(DUOX2):c.4350T>A (p.Tyr1450Ter)

Gene: DUOX2 (dual oxidase 2; minus strand). Cytogenetic location: 15q21.1.
Variant type: single nucleotide variant.
Coding change: c.4350T>A on transcript NM_001363711.2 (MANE Select); coding-DNA position 4350, T replaced by A.
Protein change: p.Tyr1450Ter; replaces tyrosine 1450 with a stop codon.
Molecular consequence: nonsense.
Genome position (GRCh38, 1-based): chr15:45,094,981, A>T on the plus strand (T>A on the coding strand, the complement: DUOX2 is on the minus strand). VCF-style: chr15-45094981-A-T. GRCh37 (hg19) VCF-style: chr15-45387179-A-T.
Other names: c.4350T>A, p.Tyr1450Ter (NM_014080.5); short protein forms Y1450*.
Identifiers: ClinVar variation 2847899 (VCV002847899.3), dbSNP rs2504737520, ClinGen allele CA392250446.
Genomic context (GRCh38, chr15:45,094,981, plus strand): 5'-CGGGCCCTGACATACTAGCATGGTGGTCCTGAGGTCGAACTTCTCAGCCAGCTGGGTGAC[A>T]TAAATGTGCACAGACACCAGGTCCTGGTGGTCGTTCTCCTCCACCTCTTGGATGATGTCA-3'